The following is an entry in ClinVar:

NM_001844.5(COL2A1):c.4343C>G (p.Thr1448Ser)

Gene: COL2A1 (collagen type II alpha 1 chain; minus strand). Cytogenetic location: 12q13.11.
Variant type: single nucleotide variant.
Coding change: c.4343C>G on transcript NM_001844.5 (MANE Select); coding-DNA position 4343, C replaced by G.
Protein change: p.Thr1448Ser; replaces threonine 1448 with serine.
Molecular consequence: missense variant.
Genome position (GRCh38, 1-based): chr12:47,973,528, G>C on the plus strand (C>G on the coding strand, the complement: COL2A1 is on the minus strand). VCF-style: chr12-47973528-G-C. GRCh37 (hg19) VCF-style: chr12-48367311-G-C.
Other names: c.4136C>G, p.Thr1379Ser (NM_033150.3); short protein forms T1448S, T1379S.
Identifiers: ClinVar variation 802840 (VCV000802840.9), dbSNP rs1481212897, ClinGen allele CA384533317.
Genomic context (GRCh38, chr12:47,973,528, plus strand): 5'-ATGGGTGCAATGTCAATGATGGGGAGGCGTGAGGTCTTCTGTGACCGGTACTCGATAACA[G>C]TCTTGCCCCACTTACCGGTATGTTTCTAGGGGAGAAAAAAGGAGGAGGCTCTGTTCAGTA-3'
Protein context (NP_001835.3, residues 1438-1458): CTKHTGKWGK[Thr1448Ser]VIEYRSQKTS

ClinVar aggregate classification (germline): Conflicting classifications of pathogenicity. Review status: criteria provided, conflicting classifications (1 of 4 stars). 5 submissions from 5 submitters: Uncertain significance (4); Likely benign (1). Last evaluated 2025-12-31.

Conditions:
Stickler syndrome type 1 (STL1). Also called: ARTHROOPHTHALMOPATHY, HEREDITARY PROGRESSIVE; STICKLER SYNDROME, MEMBRANOUS VITREOUS TYPE; STICKLER SYNDROME, VITREOUS TYPE 1; COL2A1-Related Stickler Syndrome. Identifiers: Orphanet 828, Orphanet 90653, MedGen C2020284, MONDO:0007160, OMIM 108300.
COL2A1-related disorder. Also called: COL2A1-related condition; COL2A1-related disorders.
Inborn genetic diseases. Identifiers: MedGen C0950123, MeSH D030342.

Allele frequency attached by ClinVar (database versions not stated): TOPMed below 0.00001; gnomAD 0.00001; gnomAD exomes 0.00001.
gnomAD v4.1: 19 of 1,614,022 alleles (0.0012%); highest among the groups gnomAD compares: Non-Finnish European, 0.0016%; no homozygotes.

Submissions (5):

Ambry Genetics
Classification: Uncertain significance for Inborn genetic diseases. Last evaluated: 2025-12-31. Review status: criteria provided, single submitter. Criteria: Ambry Variant Classification Scheme 2023. Collection method: clinical testing. Allele origin: germline.

Labcorp Genetics (formerly Invitae), Labcorp
Classification: Likely benign. Last evaluated: 2025-03-04. Review status: criteria provided, single submitter. Criteria: Invitae Variant Classification Sherloc (09022015). Collection method: clinical testing. Allele origin: germline.

PreventionGenetics, part of Exact Sciences
Classification: Uncertain significance for COL2A1-related condition. Last evaluated: 2024-11-27. Review status: criteria provided, single submitter. Criteria: ACMG Guidelines, 2015. Collection method: clinical testing. Allele origin: germline.
Comment: The COL2A1 c.4343C>G variant is predicted to result in the amino acid substitution p.Thr1448Ser. To our knowledge, this variant has not been reported in the literature. This variant is reported in 0.0065% of alleles in individuals of European (Non-Finnish) descent in gnomAD. At this time, the clinical significance of this variant is uncertain due to the absence of conclusive functional and genetic evidence.

GeneDx
Classification: Uncertain significance. Last evaluated: 2022-03-14. Review status: criteria provided, single submitter. Criteria: GeneDx Variant Classification Process June 2021. Collection method: clinical testing. Allele origin: germline. Affected: yes.
Comment: Has not been previously published as pathogenic or benign to our knowledge; Not observed at significant frequency in large population cohorts (gnomAD); In silico analysis supports that this missense variant has a deleterious effect on protein structure/function; Not located in the triple helical region, where the majority of pathogenic missense variants occur

Mendelics
Classification: Uncertain significance for Stickler syndrome type 1. Last evaluated: 2019-05-28. Review status: criteria provided, single submitter. Criteria: Mendelics Assertion Criteria 2017. Collection method: clinical testing. Allele origin: unknown.